The following is an entry in ClinVar:

NM_002691.4(POLD1):c.965G>C (p.Arg322Pro)

Gene: POLD1 (DNA polymerase delta 1, catalytic subunit; plus strand). Cytogenetic location: 19q13.33.
Variant type: single nucleotide variant.
Coding change: c.965G>C on transcript NM_002691.4 (MANE Select); coding-DNA position 965, G replaced by C.
Protein change: p.Arg322Pro; replaces arginine 322 with proline.
Molecular consequence: missense variant. On other transcripts: non-coding transcript variant (1).
Genome position (GRCh38, 1-based): chr19:50,402,736, G>C. VCF-style: chr19-50402736-G-C. GRCh37 (hg19) VCF-style: chr19-50905993-G-C.
Other names: c.965G>C, p.Arg322Pro (NM_001256849.1, NM_001308632.1); short protein forms R322P.
Identifiers: ClinVar variation 2129284 (VCV002129284.4), dbSNP rs980303681, ClinGen allele CA406977461.

ClinVar aggregate classification (germline): Uncertain significance (1 of 4 stars; one submission).

Conditions:
POLD1-related polyposis and colorectal cancer syndrome (CRCS10). Also called: Colorectal cancer 10; COLORECTAL CANCER, SUSCEPTIBILITY TO, ON CHROMOSOME 19q; Colorectal cancer, susceptibility to, 10. Identifiers: Orphanet 220460, MedGen C2675481, MONDO:0012953, OMIM 612591.

Submission:

Labcorp Genetics (formerly Invitae), Labcorp
Classification: Uncertain significance for POLD1-related polyposis and colorectal cancer syndrome. Last evaluated: 2022-08-27. Review status: criteria provided, single submitter. Criteria: Invitae Variant Classification Sherloc (09022015). Collection method: clinical testing. Allele origin: germline.
Comment: In summary, the available evidence is currently insufficient to determine the role of this variant in disease. Therefore, it has been classified as a Variant of Uncertain Significance. Algorithms developed to predict the effect of missense changes on protein structure and function are either unavailable or do not agree on the potential impact of this missense change (SIFT: "Deleterious"; PolyPhen-2: "Probably Damaging"; Align-GVGD: "Class C0"). This sequence change replaces arginine, which is basic and polar, with proline, which is neutral and non-polar, at codon 322 of the POLD1 protein (p.Arg322Pro). This variant is not present in population databases (gnomAD no frequency). This variant has not been reported in the literature in individuals affected with POLD1-related conditions.